The following is an entry in ClinVar:

NM_005359.6(SMAD4):c.1A>G (p.Met1Val)

Gene: SMAD4 (SMAD family member 4; plus strand). Cytogenetic location: 18q21.2.
Variant type: single nucleotide variant.
Coding change: c.1A>G on transcript NM_005359.6 (MANE Select); coding-DNA position 1, A replaced by G.
Protein change: p.Met1Val; changes the start codon (methionine 1).
Molecular consequence: missense variant, initiator codon variant.
Genome position (GRCh38, 1-based): chr18:51,047,047, A>G. VCF-style: chr18-51047047-A-G. GRCh37 (hg19) VCF-style: chr18-48573417-A-G.
Other names: short protein forms M1V.
Identifiers: ClinVar variation 422433 (VCV000422433.12), dbSNP rs1064795777, ClinGen allele CA16620697.

ClinVar aggregate classification (germline): Uncertain significance. Review status: criteria provided, multiple submitters, no conflicts (2 of 4 stars). 4 submissions from 4 submitters: Uncertain significance (4). Last evaluated 2025-05-18.

Conditions:
SMAD4-related disorder. Also called: SMAD4-Related disorders; SMAD4-related condition.
Juvenile polyposis syndrome (JPS). Identifiers: Orphanet 2929, MedGen C0345893, MONDO:0017380, OMIM 174900.
Juvenile polyposis/hereditary hemorrhagic telangiectasia syndrome (JPHT). Also called: POLYPOSIS, GENERALIZED JUVENILE, WITH PULMONARY ARTERIOVENOUS MALFORMATION; TELANGIECTASIA, HEREDITARY HEMORRHAGIC, WITH JUVENILE POLYPOSIS COLI; Juvenile Polyposis Syndrome / Hereditary Hemorrhagic Telangiectasia (JPS/HHT); JP/HHT SYNDROME; JUVENILE POLYPOSIS WITH HEREDITARY HEMORRHAGIC TELANGIECTASIA. Identifiers: Orphanet 2929, MedGen C1832942, MONDO:0008278, OMIM 175050.

Submissions (4):

Labcorp Genetics (formerly Invitae), Labcorp
Classification: Uncertain significance for Juvenile polyposis syndrome. Last evaluated: 2025-05-18. Review status: criteria provided, single submitter. Criteria: Invitae Variant Classification Sherloc (09022015). Collection method: clinical testing. Allele origin: germline.
Comment: This sequence change affects the initiator codon of the SMAD4 mRNA. This change may impact translation initiation or efficiency. The next in-frame methionine is located at codon 4. This variant is not present in population databases (gnomAD no frequency). This variant has not been reported in the literature in individuals affected with SMAD4-related conditions. ClinVar contains an entry for this variant (Variation ID: 422433). Experimental studies and prediction algorithms are not available or were not evaluated, and the functional significance of this variant is currently unknown. In summary, the available evidence is currently insufficient to determine the role of this variant in disease. Therefore, it has been classified as a Variant of Uncertain Significance.

PreventionGenetics, part of Exact Sciences
Classification: Uncertain significance for SMAD4-related condition. Last evaluated: 2025-03-11. Review status: criteria provided, single submitter. Criteria: ACMG Guidelines, 2015. Collection method: clinical testing. Allele origin: germline.
Comment: The SMAD4 c.1A>G variant is predicted to disrupt the translation initiation site (p.Met1?). To our knowledge, this variant has not been reported in the literature or in a large population database (gnomAD), indicating this variant is rare. However, in the updated version of gnomAD there are 7 heterozygous individuals with start-loss variants. At this time, the clinical significance of this variant is uncertain due to the absence of conclusive functional and genetic evidence.

All of Us Research Program, National Institutes of Health
Classification: Uncertain significance for Juvenile polyposis/hereditary hemorrhagic telangiectasia syndrome. Last evaluated: 2024-08-13. Review status: criteria provided, single submitter. Criteria: ACMG Guidelines, 2015. Collection method: clinical testing. Allele origin: germline. Inheritance: Autosomal dominant inheritance. Observed: 1 variant allele, 1 heterozygote.
Comment: This variant results in the loss of the translation initiator methionine at codon 1 of the SMAD4 gene. However, codon 4 encodes for a methionine and it may serve as an alternative translation start site. To our knowledge, functional studies have not been reported for this variant. This variant has not been reported in individuals affected with SMAD4-related disorders in the literature. This variant has not been identified in the general population by the Genome Aggregation Database (gnomAD). The available evidence is insufficient to determine the role of this variant in disease conclusively. Therefore, this variant is classified as a Variant of Uncertain Significance.

This study involves interpretation of variants in research participants for the purpose of population health screening. Participant phenotype was not available at the time of variant classification. Additional details can be found in publication PMID: 35346344, PMCID: PMC8962531

GeneDx
Classification: Uncertain significance. Last evaluated: 2016-10-12. Review status: criteria provided, single submitter. Criteria: GeneDx Variant Classification (06012015). Collection method: clinical testing. Allele origin: germline. Affected: yes.
Comment: This variant, denoted SMAD4 c.1A>G at the cDNA level, alters the initiator Methionine codon, and the resultant protein would be described as Â“p.Met1?Â” to signify that it is not known if the loss of Met1 prevents all protein translation or if an abnormal protein is produced using an alternate Methionine codon. SMAD4 c.1A>G has not, to our knowledge, been published as pathogenic, nor has it been reported as a benign polymorphism. Based on current evidence, we consider this to be a variant of uncertain significance.